The following is an entry in ClinVar:

ClinVar aggregate classification (germline): Likely benign. Review status: criteria provided, single submitter (1 of 4 stars). 2 submissions from 2 submitters: Likely benign (1). 1 of the submissions does not count toward it. Last evaluated 2024-05-01.

Conditions:
TRRAP-related disorder. Also called: TRRAP-related condition.

Submissions (2):

CeGaT Center for Human Genetics Tuebingen
Classification: Likely benign. Last evaluated: 2024-05-01. Review status: criteria provided, single submitter. Criteria: CeGaT Center For Human Genetics Tuebingen Variant Classification Criteria Version 2. Collection method: clinical testing. Allele origin: germline. Affected: yes. Observed: 2 variant alleles.
Comment: TRRAP: PM2, PP2, BS2

PreventionGenetics, part of Exact Sciences
Classification: Uncertain significance for TRRAP-related condition. Last evaluated: 2024-02-22. Review status: no assertion criteria provided. Collection method: clinical testing. Allele origin: germline. Not counted in ClinVar's aggregate classification.
Comment: The TRRAP c.11137A>G variant is predicted to result in the amino acid substitution p.Ile3713Val. To our knowledge, this variant has not been reported in the literature or in a large population database, indicating this variant is rare. At this time, the clinical significance of this variant is uncertain due to the absence of conclusive functional and genetic evidence.

NM_001375524.1(TRRAP):c.11266A>G (p.Ile3756Val)

Gene: TRRAP (transformation/transcription domain associated protein; plus strand). Cytogenetic location: 7q22.1.
Variant type: single nucleotide variant.
Coding change: c.11266A>G on transcript NM_001375524.1 (MANE Select); coding-DNA position 11266, A replaced by G.
Protein change: p.Ile3756Val; replaces isoleucine 3756 with valine.
Molecular consequence: missense variant.
Genome position (GRCh38, 1-based): chr7:99,011,464, A>G. VCF-style: chr7-99011464-A-G. GRCh37 (hg19) VCF-style: chr7-98609087-A-G.
Other names: c.11224A>G, p.Ile3742Val (NM_001244580.2); c.11137A>G, p.Ile3713Val (NM_003496.4); c.11137A>G (NM_003496.3); short protein forms I3713V, I3742V, I3756V.
Identifiers: ClinVar variation 2673113 (VCV002673113.24), dbSNP rs1394973226, ClinGen allele CA368343522.